The following is an entry in ClinVar:

NM_001029883.3(PCARE):c.868G>A (p.Gly290Ser)

Gene: PCARE (photoreceptor cilium actin regulator; minus strand). Cytogenetic location: 2p23.2.
Variant type: single nucleotide variant.
Coding change: c.868G>A on transcript NM_001029883.3 (MANE Select); coding-DNA position 868, G replaced by A.
Protein change: p.Gly290Ser; replaces glycine 290 with serine.
Molecular consequence: missense variant.
Genome position (GRCh38, 1-based): chr2:29,073,394, C>T on the plus strand (G>A on the coding strand, the complement: PCARE is on the minus strand). VCF-style: chr2-29073394-C-T. GRCh37 (hg19) VCF-style: chr2-29296260-C-T.
Other names: short protein forms G290S.
Identifiers: ClinVar variation 1056544 (VCV001056544.7), dbSNP rs376703307, ClinGen allele CA1592548.
Genomic context (GRCh38, chr2:29,073,394, plus strand): 5'-TATTTTCCAAGTGGGTTGCAGTGGAGTGGAGGTAGCTGCTGGAGCCCTCCAGGAAGCTGC[C>T]GGTGAGCGAGGCCACTGTGCCATTGAGCACCTGCAGCTTGCTGACTGTGTACTGTAGCAG-3'
Protein context (NP_001025054.1, residues 280-300): VLNGTVASLT[Gly290Ser]SFLEGSSSYL

ClinVar aggregate classification (germline): Uncertain significance. Review status: criteria provided, multiple submitters, no conflicts (2 of 4 stars). 2 submissions from 2 submitters: Uncertain significance (2). Last evaluated 2023-10-13.

Allele frequency attached by ClinVar (database versions not stated): gnomAD exomes 0.00002 and 0.00004; gnomAD 0.00004; TOPMed 0.00004; ExAC 0.00006; ESP Exome Variant Server 0.00008.
gnomAD v4.1: 35 of 1,613,696 alleles (0.0022%); highest among the groups gnomAD compares: East Asian, 0.0045%; no homozygotes.

Submissions (2):

Blueprint Genetics
Classification: Uncertain significance. Last evaluated: 2023-10-13. Review status: criteria provided, single submitter. Criteria: ACMG Guidelines, 2015. Collection method: clinical testing. Allele origin: germline.

Labcorp Genetics (formerly Invitae), Labcorp
Classification: Uncertain significance. Last evaluated: 2022-08-16. Review status: criteria provided, single submitter. Criteria: Invitae Variant Classification Sherloc (09022015). Collection method: clinical testing. Allele origin: germline.
Comment: This sequence change replaces glycine, which is neutral and non-polar, with serine, which is neutral and polar, at codon 290 of the PCARE protein (p.Gly290Ser). This variant is present in population databases (rs376703307, gnomAD 0.02%). This variant has not been reported in the literature in individuals affected with PCARE-related conditions. ClinVar contains an entry for this variant (Variation ID: 1056544). Algorithms developed to predict the effect of missense changes on protein structure and function output the following: SIFT: "Tolerated"; PolyPhen-2: "Benign"; Align-GVGD: "Class C0". The serine amino acid residue is found in multiple mammalian species, which suggests that this missense change does not adversely affect protein function. Algorithms developed to predict the effect of sequence changes on RNA splicing suggest that this variant may create or strengthen a splice site. In summary, the available evidence is currently insufficient to determine the role of this variant in disease. Therefore, it has been classified as a Variant of Uncertain Significance.